The following is an entry in ClinVar:

ClinVar aggregate classification (germline): Uncertain significance (1 of 4 stars; one submission).

Conditions:
Emery-Dreifuss muscular dystrophy 5, autosomal dominant (EDMD5). Also called: EMERY-DREIFUSS MUSCULAR DYSTROPHY 5. Identifiers: Orphanet 261, MedGen C2751805, MONDO:0013072, OMIM 612999.

Submission:

Labcorp Genetics (formerly Invitae), Labcorp
Classification: Uncertain significance for Emery-Dreifuss muscular dystrophy 5, autosomal dominant. Last evaluated: 2019-12-03. Review status: criteria provided, single submitter. Criteria: Invitae Variant Classification Sherloc (09022015). Collection method: clinical testing. Allele origin: germline.
Comment: In summary, the available evidence is currently insufficient to determine the role of this variant in disease. Therefore, it has been classified as a Variant of Uncertain Significance. Algorithms developed to predict the effect of missense changes on protein structure and function are either unavailable or do not agree on the potential impact of this missense change (SIFT: "Deleterious"; PolyPhen-2: "Possibly Damaging"; Align-GVGD: "Class C0"). This variant has not been reported in the literature in individuals with SYNE2-related conditions. This variant is not present in population databases (ExAC no frequency). This sequence change replaces aspartic acid with asparagine at codon 240 of the SYNE2 protein (p.Asp240Asn). The aspartic acid residue is weakly conserved and there is a small physicochemical difference between aspartic acid and asparagine.

NM_182914.3(SYNE2):c.718G>A (p.Asp240Asn)

Gene: SYNE2 (spectrin repeat containing nuclear envelope protein 2; plus strand). Cytogenetic location: 14q23.2.
Variant type: single nucleotide variant.
Coding change: c.718G>A on transcript NM_182914.3 (MANE Select); coding-DNA position 718, G replaced by A.
Protein change: p.Asp240Asn; replaces aspartic acid 240 with asparagine.
Molecular consequence: missense variant.
Genome position (GRCh38, 1-based): chr14:63,954,846, G>A. VCF-style: chr14-63954846-G-A. GRCh37 (hg19) VCF-style: chr14-64421564-G-A.
Other names: c.718G>A, p.Asp240Asn (NM_015180.6); short protein forms D240N.
Identifiers: ClinVar variation 835377 (VCV000835377.9), dbSNP rs1226057811, ClinGen allele CA389942730.